The following is an entry in ClinVar:

ClinVar aggregate classification (germline): Likely benign. Review status: criteria provided, single submitter (1 of 4 stars). 2 submissions from 2 submitters: Likely benign (1). 1 of the submissions does not count toward it. Last evaluated 2024-11-25.

Conditions:
ZFHX2-related disorder. Also called: ZFHX2-related condition.

Allele frequency attached by ClinVar (database versions not stated): 1000 Genomes Project 0.00899; 1000 Genomes Project 30x 0.01109.
gnomAD v4.1: 1,781 of 1,527,254 alleles (0.12%); highest among the groups gnomAD compares: African/African-American, 2.1%; 22 homozygotes.

Submissions (2):

Blueprint Genetics
Classification: Likely benign. Last evaluated: 2024-11-25. Review status: criteria provided, single submitter. Criteria: ACMG Guidelines, 2015. Collection method: clinical testing. Allele origin: germline.

PreventionGenetics, part of Exact Sciences
Classification: Benign for ZFHX2-related condition. Last evaluated: 2019-04-24. Review status: no assertion criteria provided. Collection method: clinical testing. Allele origin: germline. Not counted in ClinVar's aggregate classification.
Comment: This variant is classified as benign based on ACMG/AMP sequence variant interpretation guidelines (Richards et al. 2015 PMID: 25741868, with internal and published modifications).

NM_033400.3(ZFHX2):c.5406C>A (p.Pro1802=)

Genes: THTPA (thiamine triphosphatase; plus strand), ZFHX2 (zinc finger homeobox 2; minus strand). Cytogenetic location: 14q11.2.
Variant type: single nucleotide variant.
Coding change: c.5406C>A on transcript NM_033400.3 (MANE Select); coding-DNA position 5406, C replaced by A.
Protein change: p.Pro1802=; no amino-acid change (proline 1802 retained).
Molecular consequence: synonymous variant.
Genome position (GRCh38, 1-based): chr14:23,524,536, G>T on the plus strand (C>A on the coding strand, the complement: ZFHX2 is on the minus strand). VCF-style: chr14-23524536-G-T. GRCh37 (hg19) VCF-style: chr14-23993745-G-T.
Identifiers: ClinVar variation 3056171 (VCV003056171.3), dbSNP rs61734117, ClinGen allele CA7116891.